The following is an entry in ClinVar:

NM_000181.4(GUSB):c.1651C>T (p.Gln551Ter)

Genes: GUSB (glucuronidase beta; minus strand), LOC126860055 (MED14-independent group 3 enhancer GRCh37_chr7:65432190-65433389; plus strand). Cytogenetic location: 7q11.21.
Variant type: single nucleotide variant.
Coding change: c.1651C>T on transcript NM_000181.4 (MANE Select); coding-DNA position 1651, C replaced by T.
Protein change: p.Gln551Ter; replaces glutamine 551 with a stop codon.
Molecular consequence: nonsense. On other transcripts: non-coding transcript variant (1).
Genome position (GRCh38, 1-based): chr7:65,967,733, G>A on the plus strand (C>T on the coding strand, the complement: GUSB is on the minus strand). VCF-style: chr7-65967733-G-A. GRCh37 (hg19) VCF-style: chr7-65432720-G-A.
Other names: c.1213C>T, p.Gln405Ter (NM_001284290.2); c.1081C>T, p.Gln361Ter (NM_001293104.2); c.994C>T, p.Gln332Ter (NM_001293105.2); short protein forms Q332*, Q361*, Q405*, Q551*.
Identifiers: ClinVar variation 1027384 (VCV001027384.4), dbSNP rs1344332366, ClinGen allele CA367639705.

ClinVar aggregate classification (germline): Pathogenic. Review status: criteria provided, single submitter (1 of 4 stars). 2 submissions from 2 submitters: Pathogenic (1). 1 of the submissions does not count toward it. Last evaluated 2023-03-09.

Conditions:
Mucopolysaccharidosis type 7 (MPS7). Also called: BETA-GLUCURONIDASE DEFICIENCY; MPS VII; GUSB DEFICIENCY; SLY SYNDROME. Identifiers: Orphanet 584, MedGen C0085132, MONDO:0009662, OMIM 253220.

Allele frequency attached by ClinVar (database versions not stated): gnomAD exomes below 0.00001; TOPMed below 0.00001; gnomAD 0.00001.
gnomAD v4.1: 15 of 1,612,600 alleles (0.00093%); highest among the groups gnomAD compares: Non-Finnish European, 0.0013%; no homozygotes.

Submissions (2):

Labcorp Genetics (formerly Invitae), Labcorp
Classification: Pathogenic for Mucopolysaccharidosis type 7. Last evaluated: 2023-03-09. Review status: criteria provided, single submitter. Criteria: Invitae Variant Classification Sherloc (09022015). Collection method: clinical testing. Allele origin: germline.
Comment: This sequence change creates a premature translational stop signal (p.Gln551*) in the GUSB gene. It is expected to result in an absent or disrupted protein product. Loss-of-function variants in GUSB are known to be pathogenic (PMID: 19224584). This variant is present in population databases (no rsID available, gnomAD 0.0009%). This variant has not been reported in the literature in individuals affected with GUSB-related conditions. ClinVar contains an entry for this variant (Variation ID: 1027384). For these reasons, this variant has been classified as Pathogenic.

Institute of Medical Genetics, Medical University of Vienna
Classification: Pathogenic for Mucopolysaccharidosis type 7. Last evaluated: 2021-03-10. Review status: no assertion criteria provided. Collection method: clinical testing. Allele origin: germline. Affected: yes. Not counted in ClinVar's aggregate classification.

Literature cited by the submitters: PubMed 19224584 (cited by Labcorp Genetics (formerly Invitae), Labcorp).